The following is an entry in ClinVar:

ClinVar aggregate classification (germline): Uncertain significance (1 of 4 stars; one submission).

Submission:

Ambry Genetics
Classification: Uncertain significance. Last evaluated: 2022-12-21. Review status: criteria provided, single submitter. Criteria: Ambry Variant Classification Scheme 2023. Collection method: clinical testing. Allele origin: germline.
Comment: The p.K83E variant (also known as c.247A>G), located in coding exon 4 of the RAD54L gene, results from an A to G substitution at nucleotide position 247. The lysine at codon 83 is replaced by glutamic acid, an amino acid with similar properties. This amino acid position is conserved. In addition, this alteration is predicted to be tolerated by in silico analysis. Since supporting evidence is limited at this time, the clinical significance of this alteration remains unclear.

NM_003579.4(RAD54L):c.247A>G (p.Lys83Glu)

Gene: RAD54L (RAD54 like; plus strand). Cytogenetic location: 1p34.1.
Variant type: single nucleotide variant.
Coding change: c.247A>G on transcript NM_003579.4 (MANE Select); coding-DNA position 247, A replaced by G.
Protein change: p.Lys83Glu; replaces lysine 83 with glutamic acid.
Molecular consequence: missense variant. On other transcripts: 5 prime UTR variant (1).
Genome position (GRCh38, 1-based): chr1:46,258,722, A>G. VCF-style: chr1-46258722-A-G. GRCh37 (hg19) VCF-style: chr1-46724394-A-G.
Other names: c.247A>G, p.Lys83Glu (NM_001142548.2); c.-294A>G (NM_001370766.1); short protein forms K83E.
Identifiers: ClinVar variation 2447796 (VCV002447796.2), dbSNP rs2525660594, ClinGen allele CA340180751.
Genomic context (GRCh38, chr1:46,258,722, plus strand): 5'-TCCTTGTTTCTCCTTTCTTTTTAGGAAGCATTTATTCGAAGCATTTTGTCAAAGCCTTTC[A>G]AAGTCCCCATTCCAAATTATCAAGGTAAAATGGAGGTTTTTCTGTTTTTGAAATCAGTCA-3'
Protein context (NP_003570.2, residues 73-93): FIRSILSKPF[Lys83Glu]VPIPNYQGPL